The following is an entry in ClinVar:

NM_000222.3(KIT):c.2697-14C>T

Gene: KIT (KIT proto-oncogene, receptor tyrosine kinase; plus strand). Cytogenetic location: 4q12.
Variant type: single nucleotide variant.
Coding change: c.2697-14C>T on transcript NM_000222.3 (MANE Select); 14 bases into the intron before coding-DNA position 2697, C replaced by T.
Molecular consequence: intron variant.
Genome position (GRCh38, 1-based): chr4:54,737,161, C>T. VCF-style: chr4-54737161-C-T. GRCh37 (hg19) VCF-style: chr4-55603327-C-T.
Other names: c.2700-14C>T (NM_001385284.1); c.2697-14C>T (NM_001385290.1); c.2688-14C>T (NM_001385288.1); c.2685-14C>T (NM_001385292.1, NM_001093772.2); c.2694-14C>T (NM_001385285.1); c.2682-14C>T (NM_001385286.1).
Identifiers: ClinVar variation 1562087 (VCV001562087.9), dbSNP rs1175179723, ClinGen allele CA2573138304.
Genomic context (GRCh38, chr4:54,737,161, plus strand): 5'-TTGCTGGATGCCCATACATTTGAAAACAAGCTGAGGGCATTGAGGAGGGATAGTAAATGG[C>T]CCTTGTCTTGCAGGTATGACATAATGAAGACTTGCTGGGATGCAGATCCCCTAAAAAGAC-3'

ClinVar aggregate classification (germline): Likely benign. Review status: criteria provided, multiple submitters, no conflicts (2 of 4 stars). 2 submissions from 2 submitters: Likely benign (2). Last evaluated 2026-06-02.

Conditions:
Gastrointestinal stromal tumor. Also called: Gastrointestinal stromal tumor, somatic; Gastrointestinal stroma tumor. Identifiers: Orphanet 44890, MedGen C0238198, MeSH D046152, MONDO:0011719, OMIM 606764, HP:0100723.

Allele frequency attached by ClinVar (database versions not stated): gnomAD exomes below 0.00001.

Submissions (2):

Myriad Genetics, Inc.
Classification: Likely benign for Gastrointestinal stromal tumor. Last evaluated: 2026-06-02. Review status: criteria provided, single submitter. Criteria: Myriad Autosomal Dominant, Autosomal Recessive and X-Linked Classification Criteria (2023). Collection method: clinical testing. Allele origin: unknown.
Comment: This variant is considered likely benign. This variant is intronic and is not expected to impact mRNA splicing.

Labcorp Genetics (formerly Invitae), Labcorp
Classification: Likely benign for Gastrointestinal stromal tumor. Last evaluated: 2023-03-26. Review status: criteria provided, single submitter. Criteria: Invitae Variant Classification Sherloc (09022015). Collection method: clinical testing. Allele origin: germline.